The following is an entry in ClinVar:

NM_001098816.3(TENM4):c.7809C>T (p.Tyr2603=)

Gene: TENM4 (teneurin transmembrane protein 4; minus strand). Cytogenetic location: 11q14.1.
Variant type: single nucleotide variant.
Coding change: c.7809C>T on transcript NM_001098816.3 (MANE Select); coding-DNA position 7809, C replaced by T.
Protein change: p.Tyr2603=; no amino-acid change (tyrosine 2603 retained).
Molecular consequence: synonymous variant.
Genome position (GRCh38, 1-based): chr11:78,658,559, G>A on the plus strand (C>T on the coding strand, the complement: TENM4 is on the minus strand). VCF-style: chr11-78658559-G-A. GRCh37 (hg19) VCF-style: chr11-78369604-G-A.
Identifiers: ClinVar variation 4821044 (VCV004821044.4).

ClinVar aggregate classification (germline): Uncertain significance (1 of 4 stars; one submission).

gnomAD v4.1: 1 of 1,613,996 alleles (0.000062%); highest among the groups gnomAD compares: Non-Finnish European, 0.000085%; no homozygotes.

Submission:

CeGaT Center for Human Genetics Tuebingen
Classification: Uncertain significance. Last evaluated: 2026-01-01. Review status: criteria provided, single submitter. Criteria: CeGaT Center For Human Genetics Tuebingen Variant Classification Criteria Version 2. Collection method: clinical testing. Allele origin: germline. Affected: yes. Observed: 1 variant allele.
Comment: TENM4: PM2:Supporting, BP4